The following is an entry in ClinVar:

NM_001122955.4(BSCL2):c.404G>C (p.Arg135Thr)

Genes: BSCL2 (BSCL2 lipid droplet biogenesis associated, seipin; minus strand), HNRNPUL2-BSCL2 (HNRNPUL2-BSCL2 readthrough (NMD candidate); minus strand). Cytogenetic location: 11q12.3.
Variant type: single nucleotide variant.
Coding change: c.404G>C on transcript NM_001122955.4 (MANE Select); coding-DNA position 404, G replaced by C.
Protein change: p.Arg135Thr; replaces arginine 135 with threonine.
Molecular consequence: missense variant. On other transcripts: non-coding transcript variant (1).
Genome position (GRCh38, 1-based): chr11:62,705,301, C>G on the plus strand (G>C on the coding strand, the complement: BSCL2 is on the minus strand). VCF-style: chr11-62705301-C-G. GRCh37 (hg19) VCF-style: chr11-62472773-C-G.
Other names: c.212G>C, p.Arg71Thr (NM_001130702.2, NM_032667.6); c.404G>C, p.Arg135Thr (NM_001386027.1, NM_001386028.1); short protein forms R71T, R135T.
Identifiers: ClinVar variation 871579 (VCV000871579.43), dbSNP rs2083508651, ClinGen allele CA380970085.
Genomic context (GRCh38, chr11:62,705,301, plus strand): 5'-ACTCCAAGGGCCTTACAATTCCCATAGGAGTCCTCTATTTTGATAGAAGGCCCCTCTCAC[C>G]TGTAGTAGAAATGCACAGGGCTGAGGTGGCTGACTGTCGGCATATAGGAATAGTAGAAGG-3'
Protein context (NP_001116427.1, residues 125-145): SHLSPVHFYY[Arg135Thr]TDCDSSTTSL

ClinVar aggregate classification (germline): Conflicting classifications of pathogenicity. Review status: criteria provided, conflicting classifications (1 of 4 stars). 2 submissions from 2 submitters: Pathogenic (1); Uncertain significance (1). Last evaluated 2022-05-22.

Conditions:
Congenital generalized lipodystrophy type 2 (CGL2). Also called: BERARDINELLI SYNDROME; BRUNZELL SYNDROME, BSCL2-RELATED; Berardinelli-Seip Congenital Lipodystrophy Type 2; SEIP SYNDROME. Identifiers: Orphanet 528, Orphanet 696289, MedGen C1720863, MONDO:0010020, OMIM 269700.

Submissions (2):

3billion
Classification: Uncertain significance for Congenital generalized lipodystrophy type 2. Last evaluated: 2022-05-22. Review status: criteria provided, single submitter. Criteria: ACMG Guidelines, 2015. Collection method: clinical testing. Allele origin: germline. Affected: yes. Observed: 1 homozygote.
Comment: The variant is not observed in the gnomAD v2.1.1 dataset. In silico tools predict the variant to alter splicing and produce an abnormal transcript (SpliceAI: 0.83). Same nucleotide change resulting in same amino acid change has been previously reported to be associated with BSCL2 related disorder (ClinVar ID: VCV000871579). However, the evidence of pathogenicity is insufficient at this time. Therefore, this variant is classified as uncertain significanceaccording to the recommendation of ACMG/AMP guideline.

CeGaT Center for Human Genetics Tuebingen
Classification: Pathogenic. Last evaluated: 2019-04-01. Review status: criteria provided, single submitter. Criteria: CeGaT Center For Human Genetics Tuebingen Variant Classification Criteria Version 2. Collection method: clinical testing. Allele origin: germline. Affected: yes. Observed: 1 variant allele.